The following is an entry in ClinVar:

NM_002979.5(SCP2):c.1135_1136dup (p.Gln380fs)

Gene: SCP2 (sterol carrier protein 2; plus strand). Cytogenetic location: 1p32.3.
Variant type: Microsatellite.
Coding change: c.1135_1136dup on transcript NM_002979.5 (MANE Select); coding-DNA positions 1135 to 1136, 2 bases duplicated (AG; older notation c.1135_1136dupAG).
Protein change: p.Gln380fs; shifts the reading frame from glutamine 380.
Molecular consequence: frameshift variant. On other transcripts: 5 prime UTR variant (3).
Genome position (GRCh38, 1-based): chr1:53,014,943-53,014,944, AG duplicated; duplicating any 2 consecutive bases within chr1:53,014,941-53,014,944 gives the same sequence; the c. name uses the placement nearest the transcript's 3' end. VCF-style (leftmost placement, unchanged base first): chr1-53014940-A-AAG. GRCh37 (hg19) VCF-style: chr1-53480612-A-AAG.
Other names: c.-80AG[3] (NM_001007099.3, NM_001007100.3, NM_001007250.3); c.1063_1064dup, p.Gln356fs (NM_001193599.2); c.1003_1004dup, p.Gln336fs (NM_001193600.2); c.892_893dup, p.Gln299fs (NM_001193617.2); short protein forms Q336fs, Q356fs, Q380fs, Q299fs.
Identifiers: ClinVar variation 4712707 (VCV004712707.1).

ClinVar aggregate classification (germline): Pathogenic (1 of 4 stars; one submission).

Submission:

Labcorp Genetics (formerly Invitae), Labcorp
Classification: Pathogenic. Last evaluated: 2025-02-12. Review status: criteria provided, single submitter. Criteria: Invitae Variant Classification Sherloc (09022015). Collection method: clinical testing. Allele origin: germline.
Comment: This sequence change creates a premature translational stop signal (p.Gln380Glyfs*14) in the SCP2 gene. It is expected to result in an absent or disrupted protein product. Loss-of-function variants in SCP2 are known to be pathogenic (PMID: 16685654, 26497993). This variant is not present in population databases (gnomAD no frequency). This variant has not been reported in the literature in individuals affected with SCP2-related conditions. For these reasons, this variant has been classified as Pathogenic.

Literature cited by the submitters: PubMed 16685654; PubMed 26497993.